The following is an entry in ClinVar:

NM_001267727.2(ARSG):c.988A>T (p.Ser330Cys)

Gene: ARSG (arylsulfatase G; plus strand). Cytogenetic location: 17q24.2.
Variant type: single nucleotide variant.
Coding change: c.988A>T on transcript NM_001267727.2 (MANE Select); coding-DNA position 988, A replaced by T.
Protein change: p.Ser330Cys; replaces serine 330 with cysteine.
Molecular consequence: missense variant.
Genome position (GRCh38, 1-based): chr17:68,385,069, A>T. VCF-style: chr17-68385069-A-T. GRCh37 (hg19) VCF-style: chr17-66381210-A-T.
Other names: c.988A>T, p.Ser330Cys (NM_001352899.2, NM_001352900.2, NM_001352901.2 and 3 more transcripts); c.985A>T, p.Ser329Cys (NM_001352903.2, NM_001352904.2, NM_001352905.2 and 2 more transcripts); c.940A>T, p.Ser314Cys (NM_001352909.2); short protein forms S314C, S329C, S330C.
Identifiers: ClinVar variation 958889 (VCV000958889.9), dbSNP rs757873493, ClinGen allele CA8728442.

ClinVar aggregate classification (germline): Uncertain significance (1 of 4 stars; one submission).

Allele frequency attached by ClinVar (database versions not stated): gnomAD exomes below 0.00001; ExAC 0.00001; TOPMed 0.00001.
gnomAD v4.1: 1 of 1,613,674 alleles (0.000062%); highest among the groups gnomAD compares: African/African-American, 0.0013%; no homozygotes.

Submission:

Labcorp Genetics (formerly Invitae), Labcorp
Classification: Uncertain significance. Last evaluated: 2022-11-01. Review status: criteria provided, single submitter. Criteria: Invitae Variant Classification Sherloc (09022015). Collection method: clinical testing. Allele origin: germline.
Comment: This sequence change replaces serine, which is neutral and polar, with cysteine, which is neutral and slightly polar, at codon 330 of the ARSG protein (p.Ser330Cys). This variant is present in population databases (rs757873493, gnomAD 0.007%). This variant has not been reported in the literature in individuals affected with ARSG-related conditions. ClinVar contains an entry for this variant (Variation ID: 958889). Algorithms developed to predict the effect of missense changes on protein structure and function are either unavailable or do not agree on the potential impact of this missense change (SIFT: "Tolerated"; PolyPhen-2: "Probably Damaging"; Align-GVGD: "Class C0"). In summary, the available evidence is currently insufficient to determine the role of this variant in disease. Therefore, it has been classified as a Variant of Uncertain Significance.